The following is an entry in ClinVar:

NM_007294.4(BRCA1):c.5332+13G>T

Gene: BRCA1 (BRCA1 DNA repair associated; minus strand). Cytogenetic location: 17q21.31.
Variant type: single nucleotide variant.
Coding change: c.5332+13G>T on transcript NM_007294.4 (MANE Select); 13 bases into the intron after coding-DNA position 5332, G replaced by T.
Molecular consequence: intron variant.
Genome position (GRCh38, 1-based): chr17:43,051,050, C>A on the plus strand (G>T on the coding strand, the complement: BRCA1 is on the minus strand). VCF-style: chr17-43051050-C-A. GRCh37 (hg19) VCF-style: chr17-41203067-C-A.
Other names: p.?; c.5119+13G>T (NM_001407895.1, NM_001407910.1, NM_001407904.1 and 12 more transcripts); c.5185+13G>T (NM_001407853.1, NM_001407843.1, NM_001407847.1 and 12 more transcripts); c.1756+13G>T (NM_001408502.1, NM_001408504.1, NM_001408503.1); c.4996+13G>T (NM_001407951.1, NM_001407954.1, NM_001407952.1 and 3 more transcripts); c.4999+13G>T (NM_001407946.1, NM_001407948.1, NM_001407947.1 and 1 more transcripts); c.1810+13G>T (NM_001408489.1, NM_001408482.1, NM_001408484.1 and 5 more transcripts); c.1813+13G>T (NM_001408479.1, NM_001408478.1, NM_001408480.1); and 75 more.
Identifiers: ClinVar variation 220900 (VCV000220900.22), dbSNP rs372391060, ClinGen allele CA054498.

ClinVar aggregate classification (germline): Benign/Likely benign. Review status: criteria provided, multiple submitters, no conflicts (2 of 4 stars). 12 submissions from 12 submitters: Benign (4); Likely benign (8). Last evaluated 2025-12-13.

Conditions:
Hereditary breast ovarian cancer syndrome. Also called: Breast and ovarian cancer; Hereditary breast and ovarian cancer; Hereditary breast and ovarian cancer syndrome; Hereditary breast and/or ovarian cancer syndrome; BRCA1- and BRCA2-Associated Hereditary Breast and Ovarian Cancer; Hereditary breast and ovarian cancer syndrome (HBOC). Identifiers: Orphanet 145, MedGen C0677776, MeSH D061325, MONDO:0003582. Disease mechanism: loss of function.
Breast-ovarian cancer, familial, susceptibility to, 1 (BROVCA1). Also called: BRCA1 Hereditary Breast and Ovarian Cancer; OVARIAN CANCER, SUSCEPTIBILITY TO. Identifiers: Orphanet 145, MedGen C2676676, MONDO:0011450, OMIM 604370. Disease mechanism: loss of function.
Familial cancer of breast. Also called: BREAST CANCER, FAMILIAL; hereditary breast carcinoma; Hereditary breast cancer. Identifiers: Orphanet 227535, MedGen C0346153, MONDO:0016419, OMIM 114480. Disease mechanism: loss of function.
Fanconi anemia, complementation group S (FANCS). Identifiers: MedGen C4554406, MONDO:0054748, OMIM 617883.
Hereditary cancer-predisposing syndrome. Also called: Tumor predisposition; Hereditary Cancer Syndrome; Neoplastic Syndromes, Hereditary; Hereditary neoplastic syndrome. Identifiers: Orphanet 140162, MedGen C0027672, MeSH D009386, MONDO:0015356.

Allele frequency attached by ClinVar (database versions not stated): ExAC 0.00006; gnomAD 0.00007; gnomAD exomes 0.00007 and 0.00014; ESP Exome Variant Server 0.00008; TOPMed 0.00008.
gnomAD v4.1: 219 of 1,613,050 alleles (0.014%); highest among the groups gnomAD compares: Non-Finnish European, 0.018%; no homozygotes.

Submissions (12):

Labcorp Genetics (formerly Invitae), Labcorp
Classification: Benign for Hereditary breast ovarian cancer syndrome. Last evaluated: 2025-12-13. Review status: criteria provided, single submitter. Criteria: Invitae Variant Classification Sherloc (09022015). Collection method: clinical testing. Allele origin: germline.

Mayo Clinic Laboratories, Mayo Clinic
Classification: Likely benign. Last evaluated: 2025-07-10. Review status: criteria provided, single submitter. Criteria: ACMG Guidelines, 2015. Collection method: clinical testing. Allele origin: germline. Observed: 1 variant allele.
Comment: BS1, BP4, BP7

ARUP Laboratories, Molecular Genetics and Genomics, ARUP Laboratories
Classification: Likely benign. Last evaluated: 2025-03-04. Review status: criteria provided, single submitter. Criteria: ARUP Molecular Germline Variant Investigation Process 2024. Collection method: clinical testing. Allele origin: germline.

Center for Genomic Medicine, Rigshospitalet, Copenhagen University Hospital
Classification: Likely benign. Last evaluated: 2025-03-04. Review status: criteria provided, single submitter. Criteria: ACMG Guidelines, 2015. Collection method: clinical testing. Allele origin: germline.

Blueprint Genetics
Classification: Likely benign. Last evaluated: 2024-10-08. Review status: criteria provided, single submitter. Criteria: ACMG Guidelines, 2015. Collection method: clinical testing. Allele origin: germline.

Department of Pathology and Laboratory Medicine, Sinai Health System
Classification: Likely benign for Familial cancer of breast; Breast-ovarian cancer, familial, susceptibility to, 1; Fanconi anemia, complementation group S. Last evaluated: 2024-06-26. Review status: criteria provided, single submitter. Criteria: ACMG Guidelines, 2015. Collection method: clinical testing. Allele origin: germline. Affected: no.

PreventionGenetics, part of Exact Sciences
Classification: Benign. Last evaluated: 2017-05-30. Review status: criteria provided, single submitter. Criteria: ACMG Guidelines, 2015. Collection method: clinical testing. Allele origin: germline.

Cancer Genetics and Genomics Laboratory, British Columbia Cancer Agency
Classification: Likely benign. Last evaluated: 2017-04-19. Review status: criteria provided, single submitter. Criteria: ACMG Guidelines, 2015. Collection method: clinical testing. Allele origin: germline. Study: The Canadian Open Genetics Repository (COGR).

Women's Health and Genetics/Laboratory Corporation of America, LabCorp
Classification: Benign for Hereditary breast ovarian cancer syndrome. Last evaluated: 2016-03-28. Review status: criteria provided, single submitter. Criteria: LabCorp Variant Classification Summary - May 2015. Collection method: clinical testing. Allele origin: germline.
Comment: Variant summary: The c.5332+13G>T variant affects a non-conserved intronic nucleotide. One in-silico tool predicts benign outcome for this variant. 4/5 programs in Alamut predict that this variant does not affect normal splicing. this prediction has been confirmed by multiple experimental studies. This variant is found exclusively in 7/66330 European (Non-Finnish) control chromosomes at a frequency of 0.000105533, which does not significantly exceed maximal expected frequency of a pathogenic allele (0.0010005). Co-occurrences with pathogenic BRCA1 variants have been reported in three patients (UMD database). In addition, one clinical laboratory classified this variant as benign. Taken together, this variant was classified as benign.

GeneDx
Classification: Benign. Last evaluated: 2015-08-18. Review status: criteria provided, single submitter. Criteria: GeneDx Variant Classification (06012015). Collection method: clinical testing. Allele origin: germline. Affected: yes.
Comment: This variant is considered likely benign or benign based on one or more of the following criteria: it is a conservative change, it occurs at a poorly conserved position in the protein, it is predicted to be benign by multiple in silico algorithms, and/or has population frequency not consistent with disease.

Color Diagnostics, LLC DBA Color Health
Classification: Likely benign for Hereditary cancer-predisposing syndrome. Last evaluated: 2015-08-10. Review status: criteria provided, single submitter. Criteria: ACMG Guidelines, 2015. Collection method: clinical testing. Allele origin: germline.

Fulgent Genetics
Classification: Likely benign for Breast-ovarian cancer, familial, susceptibility to, 1. Last evaluated: 2015-08-07. Review status: criteria provided, single submitter. Criteria: ACMG Guidelines, 2015. Collection method: clinical testing. Allele origin: unknown. Inheritance: Autosomal dominant inheritance.

Literature cited by the submitters: PubMed 22505045 (cited by Women's Health and Genetics/Laboratory Corporation of America, LabCorp); PubMed 21673748 (cited by Women's Health and Genetics/Laboratory Corporation of America, LabCorp); PubMed 23239986 (cited by Women's Health and Genetics/Laboratory Corporation of America, LabCorp); PubMed 23893897 (cited by Women's Health and Genetics/Laboratory Corporation of America, LabCorp).